The following is an entry in ClinVar:

NM_000722.4(CACNA2D1):c.2159G>A (p.Arg720Gln)

Gene: CACNA2D1 (calcium voltage-gated channel auxiliary subunit alpha2delta 1; minus strand). Cytogenetic location: 7q21.11.
Variant type: single nucleotide variant.
Coding change: c.2159G>A on transcript NM_000722.4 (MANE Select); coding-DNA position 2159, G replaced by A.
Protein change: p.Arg720Gln; replaces arginine 720 with glutamine.
Molecular consequence: missense variant.
Genome position (GRCh38, 1-based): chr7:81,970,720, C>T on the plus strand (G>A on the coding strand, the complement: CACNA2D1 is on the minus strand). VCF-style: chr7-81970720-C-T. GRCh37 (hg19) VCF-style: chr7-81600036-C-T.
Other names: c.2195G>A, p.Arg732Gln (NM_001366867.1); short protein forms R720Q, R732Q.
Identifiers: ClinVar variation 2065829 (VCV002065829.4), dbSNP rs79127167, ClinGen allele CA4317717.

ClinVar aggregate classification (germline): Uncertain significance (1 of 4 stars; one submission).

Conditions:
Brugada syndrome. Also called: Sudden unexpected nocturnal death syndrome; Sudden unexplained nocturnal death syndrome; Sudden Unexplained Death Syndrome; Sudden Unexplained Nocturnal Death Syndrome (SUNDS). Identifiers: Orphanet 130, MedGen C1142166, MONDO:0015263.

Allele frequency attached by ClinVar (database versions not stated): gnomAD exomes 0.00003; TOPMed 0.00002; ExAC 0.00003; gnomAD 0.00003.
gnomAD v4.1: 59 of 1,591,384 alleles (0.0037%); highest among the groups gnomAD compares: Non-Finnish European, 0.0041%; no homozygotes.

Submission:

Labcorp Genetics (formerly Invitae), Labcorp
Classification: Uncertain significance for Brugada syndrome. Last evaluated: 2022-05-21. Review status: criteria provided, single submitter. Criteria: Invitae Variant Classification Sherloc (09022015). Collection method: clinical testing. Allele origin: germline.
Comment: This variant has not been reported in the literature in individuals affected with CACNA2D1-related conditions. This variant is present in population databases (rs79127167, gnomAD 0.009%). This sequence change replaces arginine, which is basic and polar, with glutamine, which is neutral and polar, at codon 720 of the CACNA2D1 protein (p.Arg720Gln). Algorithms developed to predict the effect of missense changes on protein structure and function are either unavailable or do not agree on the potential impact of this missense change (SIFT: "Tolerated"; PolyPhen-2: "Not Available"; Align-GVGD: "Class C0"). In summary, the available evidence is currently insufficient to determine the role of this variant in disease. Therefore, it has been classified as a Variant of Uncertain Significance.